The following is an entry in ClinVar:

ClinVar aggregate classification (germline): Conflicting classifications of pathogenicity. Review status: criteria provided, conflicting classifications (1 of 4 stars). 11 submissions from 9 submitters: Uncertain significance (8); Likely benign (3). Last evaluated 2026-07-02.

Conditions:
DSP-related disorder. Also called: DSP-related disorders; DSP-related condition.
Cardiovascular phenotype. Identifiers: MedGen CN230736.
Arrhythmogenic right ventricular dysplasia 8 (ARVD8). Also called: Arrhythmogenic Right Ventricular Dysplasia/Cardiomyopathy 8; ARRHYTHMOGENIC RIGHT VENTRICULAR DYSPLASIA, FAMILIAL, 8; ARRHYTHMOGENIC RIGHT VENTRICULAR CARDIOMYOPATHY 8. Identifiers: MedGen C1843896, MONDO:0011831, OMIM 607450.
Arrhythmogenic cardiomyopathy with wooly hair and keratoderma. Also called: Arrhythmogenic cardiomyopathy with woolly hair and keratoderma; PALMOPLANTAR KERATODERMA WITH LEFT VENTRICULAR CARDIOMYOPATHY AND WOOLLY HAIR; Carvajal syndrome; Dilated cardiomyopathy with woolly hair and keratoderma. Identifiers: Orphanet 65282, MedGen C1854063, MONDO:0011581, OMIM 605676.
Cardiomyopathy (CMYO). Also called: Cardiomyopathies. Identifiers: Orphanet 167848, MedGen C0878544, MONDO:0004994, HP:0001638. Inheritance: Various modes of inheritance.
Woolly hair-skin fragility syndrome (WHSF). Identifiers: Orphanet 293165, MedGen C1843292, MONDO:0957307, OMIM 620415.
Lethal acantholytic epidermolysis bullosa (EBLA). Identifiers: Orphanet 158687, MedGen C1864826, MONDO:0012323, OMIM 609638.
Keratosis palmoplantaris striata 2. Also called: KERATODERMA, PALMOPLANTAR, STRIATE FORM II; STRIATE PALMOPLANTAR KERATODERMA II; Keratosis palmoplantaris striata II. Identifiers: MedGen C1852127, MONDO:0013034, OMIM 612908.

Allele frequency attached by ClinVar (database versions not stated): gnomAD 0.00001; gnomAD exomes 0.00002 and 0.00005; TOPMed 0.00002; ExAC 0.00006.
gnomAD v4.1: 33 of 1,614,026 alleles (0.002%); highest among the groups gnomAD compares: Admixed American, 0.0033%; no homozygotes.

Submissions (11):

PreventionGenetics, part of Exact Sciences
Classification: Uncertain significance for DSP-related condition. Last evaluated: 2026-07-02. Review status: criteria provided, single submitter. Criteria: ACMG Guidelines, 2015. Collection method: clinical testing. Allele origin: germline.
Comment: The DSP c.5062G>A variant is predicted to result in the amino acid substitution p.Ala1688Thr. This variant was reported in an individual from a dilated cardiomyopathy cohort (Table S1 in Voinescu et al. 2024. PubMed ID: 38473809) and in an individual with coronary heart disease and ventricular tachycardia (Table S1 and S2 in Guelly et al. 2021. PubMed ID: 33552729). This variant is reported in 0.011% of alleles in individuals of European (Non-Finnish) descent in gnomAD. At this time, the clinical significance of this variant is uncertain due to the absence of conclusive functional and genetic evidence.

Labcorp Genetics (formerly Invitae), Labcorp
Classification: Likely benign for Arrhythmogenic cardiomyopathy with wooly hair and keratoderma; Arrhythmogenic right ventricular dysplasia 8. Last evaluated: 2025-10-25. Review status: criteria provided, single submitter. Criteria: Invitae Variant Classification Sherloc (09022015). Collection method: clinical testing. Allele origin: germline.

Blueprint Genetics
Classification: Likely benign. Last evaluated: 2024-11-23. Review status: criteria provided, single submitter. Criteria: ACMG Guidelines, 2015. Collection method: clinical testing. Allele origin: germline.

Ambry Genetics
Classification: Likely benign for Cardiovascular phenotype. Last evaluated: 2024-05-16. Review status: criteria provided, single submitter. Criteria: Ambry Variant Classification Scheme 2023. Collection method: clinical testing. Allele origin: germline.

Color Diagnostics, LLC DBA Color Health
Classification: Uncertain significance for Cardiomyopathy. Last evaluated: 2023-09-25. Review status: criteria provided, single submitter. Criteria: ACMG Guidelines, 2015. Collection method: clinical testing. Allele origin: germline.
Comment: This missense variant replaces alanine with threonine at codon 1688 of the DSP protein. Computational prediction suggests that this variant may not impact protein structure and function (internally defined REVEL score threshold <= 0.5, PMID: 27666373). To our knowledge, functional studies have not been reported for this variant. This variant has been reported in an individual affected with coronary heart disease and ventricular tachycardia (PMID: 33552729). This variant has been identified in 13/250810 chromosomes in the general population by the Genome Aggregation Database (gnomAD). The available evidence is insufficient to determine the role of this variant in disease conclusively. Therefore, this variant is classified as a Variant of Uncertain Significance.

GeneDx
Classification: Uncertain significance. Last evaluated: 2023-08-22. Review status: criteria provided, single submitter. Criteria: GeneDx Variant Classification Process June 2021. Collection method: clinical testing. Allele origin: germline. Affected: yes.
Comment: Has not been previously published as pathogenic or benign to our knowledge; In silico analysis supports that this missense variant does not alter protein structure/function

CHEO Genetics Diagnostic Laboratory, Children's Hospital of Eastern Ontario
Classification: Uncertain significance for Cardiomyopathy. Last evaluated: 2022-07-22. Review status: criteria provided, single submitter. Criteria: ACMG Guidelines, 2015. Collection method: clinical testing. Allele origin: germline.

Centre for Mendelian Genomics, University Medical Centre Ljubljana
Classification: Uncertain significance for Keratosis palmoplantaris striata 2. Last evaluated: 2019-04-23. Review status: criteria provided, single submitter. Criteria: ACMG Guidelines, 2015. Collection method: clinical testing. Allele origin: unknown. Affected: yes.
Comment: This variant was classified as: Uncertain significance. The available evidence on this variant's pathogenicity is insufficient or conflicting. The following ACMG criteria were applied in classifying this variant: No criteria apply.

Illumina Laboratory Services, Illumina
Classification: Uncertain significance for Lethal acantholytic epidermolysis bullosa. Last evaluated: 2018-01-13. Review status: criteria provided, single submitter. Criteria: ICSL Variant Classification Criteria 13 December 2019. Collection method: clinical testing. Allele origin: germline.

Illumina Laboratory Services, Illumina
Classification: Uncertain significance for Arrhythmogenic cardiomyopathy with wooly hair and keratoderma. Last evaluated: 2018-01-13. Review status: criteria provided, single submitter. Criteria: ICSL Variant Classification Criteria 13 December 2019. Collection method: clinical testing. Allele origin: germline.

Illumina Laboratory Services, Illumina
Classification: Uncertain significance for Arrhythmogenic right ventricular dysplasia 8. Last evaluated: 2018-01-13. Review status: criteria provided, single submitter. Criteria: ICSL Variant Classification Criteria 13 December 2019. Collection method: clinical testing. Allele origin: germline.

Literature cited by the submitters: PubMed 33552729 (cited by Color Diagnostics, LLC DBA Color Health).

NM_004415.4(DSP):c.5062G>A (p.Ala1688Thr)

Gene: DSP (desmoplakin; plus strand). Cytogenetic location: 6p24.3.
Variant type: single nucleotide variant.
Coding change: c.5062G>A on transcript NM_004415.4 (MANE Select); coding-DNA position 5062, G replaced by A.
Protein change: p.Ala1688Thr; replaces alanine 1688 with threonine.
Molecular consequence: missense variant. On other transcripts: intron variant (2).
Genome position (GRCh38, 1-based): chr6:7,581,252, G>A. VCF-style: chr6-7581252-G-A. GRCh37 (hg19) VCF-style: chr6-7581485-G-A.
Other names: c.5062G>A (LRG_423t1, NM_004415.3); c.4050+1012G>A (NM_001319034.2); c.3583-1390G>A (NM_001008844.3); short protein forms A1688T.
Identifiers: ClinVar variation 451060 (VCV000451060.30), dbSNP rs757753880, ClinGen allele CA043810.